The following is an entry in ClinVar:

NM_001378454.1(ALMS1):c.8339C>T (p.Ser2780Leu)

Gene: ALMS1 (ALMS1 centrosome and basal body associated protein; plus strand). Cytogenetic location: 2p13.1.
Variant type: single nucleotide variant.
Coding change: c.8339C>T on transcript NM_001378454.1 (MANE Select); coding-DNA position 8339, C replaced by T.
Protein change: p.Ser2780Leu; replaces serine 2780 with leucine.
Molecular consequence: missense variant.
Genome position (GRCh38, 1-based): chr2:73,490,298, C>T. VCF-style: chr2-73490298-C-T. GRCh37 (hg19) VCF-style: chr2-73717425-C-T.
Other names: c.8342C>T, p.Ser2781Leu (NM_015120.4); short protein forms S2780L, S2781L.
Identifiers: ClinVar variation 1707017 (VCV001707017.2), dbSNP rs761903209, ClinGen allele CA1714452.

ClinVar aggregate classification (germline): Uncertain significance (1 of 4 stars; one submission).

Allele frequency attached by ClinVar (database versions not stated): TOPMed below 0.00001; ExAC 0.00001; gnomAD 0.00001.
gnomAD v4.1: 5 of 1,612,730 alleles (0.00031%); highest among the groups gnomAD compares: East Asian, 0.0022%; no homozygotes.

Submission:

GeneDx
Classification: Uncertain significance. Last evaluated: 2022-03-22. Review status: criteria provided, single submitter. Criteria: GeneDx Variant Classification Process June 2021. Collection method: clinical testing. Allele origin: germline. Affected: yes.
Comment: In silico analysis supports that this missense variant does not alter protein structure/function; Has not been previously published as pathogenic or benign to our knowledge